The following is an entry in ClinVar:

NM_001377540.1(SLMAP):c.563C>A (p.Thr188Lys)

Gene: SLMAP (sarcolemma associated protein; plus strand). Cytogenetic location: 3p14.3.
Variant type: single nucleotide variant.
Coding change: c.563C>A on transcript NM_001377540.1 (MANE Select); coding-DNA position 563, C replaced by A.
Protein change: p.Thr188Lys; replaces threonine 188 with lysine.
Molecular consequence: missense variant. On other transcripts: non-coding transcript variant (1).
Genome position (GRCh38, 1-based): chr3:57,857,776, C>A. VCF-style: chr3-57857776-C-A. GRCh37 (hg19) VCF-style: chr3-57843503-C-A.
Other names: c.563C>A, p.Thr188Lys (NM_001304420.3, NM_001304421.2, NM_001377538.1 and 17 more transcripts); short protein forms T188K.
Identifiers: ClinVar variation 1984703 (VCV001984703.4), dbSNP rs763740777, ClinGen allele CA75407158.
Genomic context (GRCh38, chr3:57,857,776, plus strand): 5'-GTGATTTGTAATACTAGGAGGCCTTACATCGGGAACAAATGTTGGAACAGAAGTTAGCCA[C>A]GCTTCAGCGGCTACTAGCCATCACCCAAGAGGCTTCAGATACCAGTTGGCAGGTATTCCA-3'
Protein context (NP_001364469.1, residues 178-198): REQMLEQKLA[Thr188Lys]LQRLLAITQE

ClinVar aggregate classification (germline): Uncertain significance (1 of 4 stars; one submission).

Conditions:
Brugada syndrome. Also called: Sudden unexplained nocturnal death syndrome; Sudden unexpected nocturnal death syndrome; Sudden Unexplained Death Syndrome; Sudden Unexplained Nocturnal Death Syndrome (SUNDS). Identifiers: Orphanet 130, MedGen C1142166, MONDO:0015263.

gnomAD v4.1: 1 of 1,613,730 alleles (0.000062%); highest among the groups gnomAD compares: Non-Finnish European, 0.000085%; no homozygotes.

Submission:

Labcorp Genetics (formerly Invitae), Labcorp
Classification: Uncertain significance for Brugada syndrome. Last evaluated: 2023-11-02. Review status: criteria provided, single submitter. Criteria: Invitae Variant Classification Sherloc (09022015). Collection method: clinical testing. Allele origin: germline.
Comment: This sequence change replaces threonine, which is neutral and polar, with lysine, which is basic and polar, at codon 188 of the SLMAP protein (p.Thr188Lys). This variant is not present in population databases (gnomAD no frequency). This variant has not been reported in the literature in individuals affected with SLMAP-related conditions. ClinVar contains an entry for this variant (Variation ID: 1984703). An algorithm developed to predict the effect of missense changes on protein structure and function (PolyPhen-2) suggests that this variant is likely to be disruptive. In summary, the available evidence is currently insufficient to determine the role of this variant in disease. Therefore, it has been classified as a Variant of Uncertain Significance.